The following is an entry in ClinVar:

ClinVar aggregate classification (germline): Pathogenic. Review status: criteria provided, multiple submitters, no conflicts (2 of 4 stars). 6 submissions from 6 submitters: Pathogenic (6). Last evaluated 2025-09-22.

Conditions:
Coffin-Siris syndrome 1 (CSS1). Also called: ARID1B-Related Coffin-Siris Syndrome; Mental retardation, autosomal dominant 12. Identifiers: Orphanet 1465, MedGen C3281201, MONDO:0007617, OMIM 135900. Disease mechanism: gain of function.

Allele frequency attached by ClinVar (database versions not stated): gnomAD exomes below 0.00001.
gnomAD v4.1: 1 of 1,614,098 alleles (0.000062%); highest among the groups gnomAD compares: Non-Finnish European, 0.000085%; no homozygotes.

Submissions (6):

GeneDx
Classification: Pathogenic. Last evaluated: 2025-09-22. Review status: criteria provided, single submitter. Criteria: GeneDx Variant Classification Process June 2021. Collection method: clinical testing. Allele origin: germline. Affected: yes.
Comment: Nonsense variant predicted to result in protein truncation or nonsense mediated decay in a gene for which loss of function is a known mechanism of disease; Not observed at significant frequency in large population cohorts (gnomAD); This variant is associated with the following publications: (PMID: 33057194, 36352633, 35982159, 30349098, 37500730, 23906836)

CeGaT Center for Human Genetics Tuebingen
Classification: Pathogenic. Last evaluated: 2023-10-01. Review status: criteria provided, single submitter. Criteria: CeGaT Center For Human Genetics Tuebingen Variant Classification Criteria Version 2. Collection method: clinical testing. Allele origin: germline. Affected: yes. Observed: 2 variant alleles.
Comment: ARID1B: PVS1, PS2, PM2

Genome-Nilou Lab
Classification: Pathogenic for Coffin-Siris syndrome 1. Last evaluated: 2021-07-15. Review status: criteria provided, single submitter. Criteria: ACMG Guidelines, 2015. Collection method: clinical testing. Allele origin: germline. Affected: no.

Institute of Medical Genetics and Applied Genomics, University Hospital Tübingen
Classification: Pathogenic. Last evaluated: 2020-10-23. Review status: criteria provided, single submitter. Criteria: ACMG Guidelines, 2015. Collection method: clinical testing. Allele origin: germline. Inheritance: Unknown mechanism. Affected: yes.

Victorian Clinical Genetics Services, Murdoch Childrens Research Institute
Classification: Pathogenic for Coffin-Siris syndrome 1. Last evaluated: 2020-06-11. Review status: criteria provided, single submitter. Criteria: ACMG Guidelines, 2015. Collection method: clinical testing. Allele origin: germline. Inheritance: Autosomal dominant inheritance. Affected: yes.
Comment: Based on the classification scheme VCGS_Germline_v1.1.1, this variant is classified as Pathogenic. Following criteria are met: 0102 - Loss-of-function is a known mechanism of disease for this gene. (N) 0107 - This gene is known to be associated with autosomal dominant disease. (N) 0201 - Variant is located in exon 6 of 20 and is predicted to cause nonsense-mediated decay (NMD) and loss of protein. (P) 0251 - Variant is heterozygous. (N) 0301 - Variant is absent from gnomAD. (P) 0701 - Comparable variants have very strong previous evidence for pathogenicity. More than 10 NMD-predicted variants have been reported in this gene (ClinVar). (P) 0801 - Strong previous evidence of pathogenicity in unrelated individuals. This variant has been found in 7 patients with Coffin-Siris syndrome and ARID1B-related disorders (PMID: 25217958, 23906836; ClinVar). (P) 0905 - No segregation evidence has been identified for this variant. (N) 1007 - No published functional evidence has been identified for this variant. (P) Legend: (P) - Pathogenic, (N) - Neutral, (B) - Benign

Genetic Services Laboratory, University of Chicago
Classification: Pathogenic for Mental retardation, autosomal dominant 12. Last evaluated: 2015-08-05. Review status: criteria provided, single submitter. Criteria: ACMG Guidelines, 2015. Collection method: clinical testing. Allele origin: germline. Affected: yes.

Literature cited by the submitters: PubMed 23906836 (cited by Victorian Clinical Genetics Services, Murdoch Childrens Research Institute); PubMed 25217958 (cited by Victorian Clinical Genetics Services, Murdoch Childrens Research Institute).

NM_001374828.1(ARID1B):c.2458C>T (p.Arg820Ter)

Gene: ARID1B (AT-rich interaction domain 1B; plus strand). Cytogenetic location: 6q25.3.
Variant type: single nucleotide variant.
Coding change: c.2458C>T on transcript NM_001374828.1 (MANE Select); coding-DNA position 2458, C replaced by T.
Protein change: p.Arg820Ter; replaces arginine 820 with a stop codon.
Molecular consequence: nonsense. On other transcripts: 5 prime UTR variant (1).
Genome position (GRCh38, 1-based): chr6:157,084,872, C>T. VCF-style: chr6-157084872-C-T. GRCh37 (hg19) VCF-style: chr6-157406006-C-T.
Other names: c.2248C>T, p.Arg750Ter (NM_020732.3); c.-42C>T (NM_001363725.2); c.2497C>T, p.Arg833Ter (NM_001371656.1, NM_001374820.1); c.2458C>T, p.Arg820Ter (NM_017519.3); short protein forms R750*, R820*, R833*.
Identifiers: ClinVar variation 210277 (VCV000210277.56), dbSNP rs797045272, ClinGen allele CA207644.